The following is an entry in ClinVar:

NM_001846.4(COL4A2):c.684+19G>C

Gene: COL4A2 (collagen type IV alpha 2 chain; plus strand). Cytogenetic location: 13q34.
Variant type: single nucleotide variant.
Coding change: c.684+19G>C on transcript NM_001846.4 (MANE Select); 19 bases into the intron after coding-DNA position 684, G replaced by C.
Molecular consequence: intron variant.
Genome position (GRCh38, 1-based): chr13:110,432,379, G>C. VCF-style: chr13-110432379-G-C. GRCh37 (hg19) VCF-style: chr13-111084726-G-C.
Other names: c.684+19G>C (NM_001846.3).
Identifiers: ClinVar variation 2503977 (VCV002503977.1), dbSNP rs1287601486, ClinGen allele CA2580616540.

ClinVar aggregate classification (germline): Uncertain significance (1 of 4 stars; one submission).

Submission:

Women's Health and Genetics/Laboratory Corporation of America, LabCorp
Classification: Uncertain significance. Last evaluated: 2023-04-18. Review status: criteria provided, single submitter. Criteria: LabCorp Variant Classification Summary - May 2015. Collection method: clinical testing. Allele origin: germline.
Comment: Variant summary: COL4A2 c.684+19G>C alters a non-conserved nucleotide located close to a canonical splice site and therefore could affect mRNA splicing, leading to a significantly altered protein sequence. Several computational tools predict a significant impact on normal splicing: Two predict the variant abolishes a cryptic 5' donor site, whereas two predict the variant has no significant impact on splicing. However, these predictions have yet to be confirmed by functional studies. The variant was absent in 241312 control chromosomes (gnomAD). The available data on variant occurrences in the general population are insufficient to allow any conclusion about variant significance. To our knowledge, no occurrence of c.684+19G>C in individuals affected with Porencephaly 2 and no experimental evidence demonstrating its impact on protein function have been reported. No clinical diagnostic laboratories have submitted clinical-significance assessments for this variant to ClinVar after 2014. Based on the evidence outlined above, the variant was classified as uncertain significance.